The following is an entry in ClinVar:

ClinVar aggregate classification (germline): Uncertain significance. Review status: criteria provided, multiple submitters, no conflicts (2 of 4 stars). 2 submissions from 2 submitters: Uncertain significance (2). Last evaluated 2023-12-08.

Conditions:
Epileptic encephalopathy. Identifiers: MedGen C0543888, HP:0200134.

Allele frequency attached by ClinVar (database versions not stated): gnomAD exomes below 0.00001; gnomAD 0.00003 and 0.00004; TOPMed 0.00007.
gnomAD v4.1: 8 of 1,611,602 alleles (0.0005%); highest among the groups gnomAD compares: Admixed American, 0.0083%; no homozygotes.

Submissions (2):

Ambry Genetics
Classification: Uncertain significance. Last evaluated: 2023-12-08. Review status: criteria provided, single submitter. Criteria: Ambry Variant Classification Scheme 2023. Collection method: clinical testing. Allele origin: germline.

Labcorp Genetics (formerly Invitae), Labcorp
Classification: Uncertain significance for Epileptic encephalopathy. Last evaluated: 2020-06-16. Review status: criteria provided, single submitter. Criteria: Invitae Variant Classification Sherloc (09022015). Collection method: clinical testing. Allele origin: germline.
Comment: This variant has not been reported in the literature in individuals with RYR3-related conditions. This sequence change replaces glycine with serine at codon 1125 of the RYR3 protein (p.Gly1125Ser). The glycine residue is highly conserved and there is a small physicochemical difference between glycine and serine. This variant is not present in population databases (ExAC no frequency). Algorithms developed to predict the effect of missense changes on protein structure and function (SIFT, PolyPhen-2, Align-GVGD) all suggest that this variant is likely to be disruptive, but these predictions have not been confirmed by published functional studies and their clinical significance is uncertain. Algorithms developed to predict the effect of sequence changes on RNA splicing suggest that this variant may create or strengthen a splice site, but this prediction has not been confirmed by published transcriptional studies. In summary, the available evidence is currently insufficient to determine the role of this variant in disease. Therefore, it has been classified as a Variant of Uncertain Significance.

NM_001036.6(RYR3):c.3373G>A (p.Gly1125Ser)

Gene: RYR3 (ryanodine receptor 3; plus strand). Cytogenetic location: 15q14.
Variant type: single nucleotide variant.
Coding change: c.3373G>A on transcript NM_001036.6 (MANE Select); coding-DNA position 3373, G replaced by A.
Protein change: p.Gly1125Ser; replaces glycine 1125 with serine.
Molecular consequence: missense variant.
Genome position (GRCh38, 1-based): chr15:33,635,811, G>A. VCF-style: chr15-33635811-G-A. GRCh37 (hg19) VCF-style: chr15-33928012-G-A.
Other names: c.3373G>A, p.Gly1125Ser (NM_001243996.4); c.3373G>A (NM_001036.3); short protein forms G1125S.
Identifiers: ClinVar variation 1059009 (VCV001059009.10), dbSNP rs754600756, ClinGen allele CA391575478.